The following is an entry in ClinVar:

NM_002691.4(POLD1):c.2846G>A (p.Ser949Asn)

Gene: POLD1 (DNA polymerase delta 1, catalytic subunit; plus strand). Cytogenetic location: 19q13.33.
Variant type: single nucleotide variant.
Coding change: c.2846G>A on transcript NM_002691.4 (MANE Select); coding-DNA position 2846, G replaced by A.
Protein change: p.Ser949Asn; replaces serine 949 with asparagine.
Molecular consequence: missense variant. On other transcripts: non-coding transcript variant (1).
Genome position (GRCh38, 1-based): chr19:50,416,421, G>A. VCF-style: chr19-50416421-G-A. GRCh37 (hg19) VCF-style: chr19-50919678-G-A.
Other names: c.2846G>A, p.Ser949Asn (NM_001256849.1); c.2924G>A, p.Ser975Asn (NM_001308632.1); short protein forms S975N, S949N.
Identifiers: ClinVar variation 2799298 (VCV002799298.3), dbSNP rs2514065450, ClinGen allele CA406986285.

ClinVar aggregate classification (germline): Uncertain significance (1 of 4 stars; one submission).

Conditions:
POLD1-related polyposis and colorectal cancer syndrome (CRCS10). Also called: Colorectal cancer 10; Colorectal cancer, susceptibility to, 10; COLORECTAL CANCER, SUSCEPTIBILITY TO, ON CHROMOSOME 19q. Identifiers: Orphanet 220460, MedGen C2675481, MONDO:0012953, OMIM 612591.

Allele frequency attached by ClinVar (database versions not stated): gnomAD exomes below 0.00001.
gnomAD v4.1: 1 of 1,549,702 alleles (0.000065%); highest among the groups gnomAD compares: Admixed American, 0.002%; no homozygotes.

Submission:

Labcorp Genetics (formerly Invitae), Labcorp
Classification: Uncertain significance for POLD1-related polyposis and colorectal cancer syndrome. Last evaluated: 2023-01-18. Review status: criteria provided, single submitter. Criteria: Invitae Variant Classification Sherloc (09022015). Collection method: clinical testing. Allele origin: germline.
Comment: In summary, the available evidence is currently insufficient to determine the role of this variant in disease. Therefore, it has been classified as a Variant of Uncertain Significance. Advanced modeling of protein sequence and biophysical properties (such as structural, functional, and spatial information, amino acid conservation, physicochemical variation, residue mobility, and thermodynamic stability) performed at Invitae indicates that this missense variant is not expected to disrupt POLD1 protein function. This variant has not been reported in the literature in individuals affected with POLD1-related conditions. This variant is not present in population databases (gnomAD no frequency). This sequence change replaces serine, which is neutral and polar, with asparagine, which is neutral and polar, at codon 949 of the POLD1 protein (p.Ser949Asn).